The following is an entry in ClinVar:

ClinVar aggregate classification (germline): Conflicting classifications of pathogenicity. Review status: criteria provided, conflicting classifications (1 of 4 stars). 2 submissions from 2 submitters: Uncertain significance (1); Likely benign (1). Last evaluated 2023-06-27.

Allele frequency attached by ClinVar (database versions not stated): TOPMed 0.00006; gnomAD 0.00007; ESP Exome Variant Server 0.00008.

Submissions (2):

Ambry Genetics
Classification: Uncertain significance. Last evaluated: 2023-06-27. Review status: criteria provided, single submitter. Criteria: Ambry Variant Classification Scheme 2023. Collection method: clinical testing. Allele origin: germline.

CeGaT Center for Human Genetics Tuebingen
Classification: Likely benign. Last evaluated: 2022-08-01. Review status: criteria provided, single submitter. Criteria: CeGaT Center For Human Genetics Tuebingen Variant Classification Criteria Version 2. Collection method: clinical testing. Allele origin: germline. Affected: yes. Observed: 1 variant allele.
Comment: RIC1: BP4

NM_020829.4(RIC1):c.1168G>C (p.Asp390His)

Gene: RIC1 (RIC1 partner of RAB6A GEF complex; plus strand). Cytogenetic location: 9p24.1.
Variant type: single nucleotide variant.
Coding change: c.1168G>C on transcript NM_020829.4 (MANE Select); coding-DNA position 1168, G replaced by C.
Protein change: p.Asp390His; replaces aspartic acid 390 with histidine.
Molecular consequence: missense variant.
Genome position (GRCh38, 1-based): chr9:5,746,003, G>C. VCF-style: chr9-5746003-G-C. GRCh37 (hg19) VCF-style: chr9-5746003-G-C.
Other names: c.1168G>C, p.Asp390His (NM_001135920.4, NM_001206557.2); short protein forms D390H.
Identifiers: ClinVar variation 2595087 (VCV002595087.26), dbSNP rs199560727, ClinGen allele CA4974512.